The following is an entry in ClinVar:

NM_002519.3(NPAT):c.2786G>A (p.Gly929Glu)

Gene: NPAT (nuclear protein, coactivator of histone transcription; minus strand). Cytogenetic location: 11q22.3.
Variant type: single nucleotide variant.
Coding change: c.2786G>A on transcript NM_002519.3 (MANE Select); coding-DNA position 2786, G replaced by A.
Protein change: p.Gly929Glu; replaces glycine 929 with glutamic acid.
Molecular consequence: missense variant.
Genome position (GRCh38, 1-based): chr11:108,170,043, C>T on the plus strand (G>A on the coding strand, the complement: NPAT is on the minus strand). VCF-style: chr11-108170043-C-T. GRCh37 (hg19) VCF-style: chr11-108040770-C-T.
Other names: c.2786G>A, p.Gly929Glu (NM_001321307.1); short protein forms G929E.
Identifiers: ClinVar variation 1795986 (VCV001795986.2), dbSNP rs2077936412, ClinGen allele CA382512228.

ClinVar aggregate classification (germline): Uncertain significance (1 of 4 stars; one submission).

Allele frequency attached by ClinVar (database versions not stated): TOPMed below 0.00001.

Submission:

Ambry Genetics
Classification: Uncertain significance. Last evaluated: 2022-08-29. Review status: criteria provided, single submitter. Criteria: Ambry Variant Classification Scheme 2023. Collection method: clinical testing. Allele origin: germline.
Comment: The p.G929E variant (also known as c.2786G>A) is located in coding exon 14 of the NPAT gene. The glycine at codon 929 is replaced by glutamic acid, an amino acid with similar properties. This change occurs in the first base pair of coding exon 14. This amino acid position is conserved. In addition, this alteration is predicted to be deleterious by in silico analysis. Since supporting evidence is limited at this time, the clinical significance of this alteration remains unclear.